The following is an entry in ClinVar:

ClinVar aggregate classification (germline): Likely benign (1 of 4 stars; one submission).

Allele frequency attached by ClinVar (database versions not stated): ESP Exome Variant Server 0.00017; ExAC 0.00042; 1000 Genomes Project 30x 0.00062.
gnomAD v4.1: 388 of 1,586,194 alleles (0.024%); highest among the groups gnomAD compares: Middle Eastern, 0.15%; 41 homozygotes.

Submission:

CeGaT Center for Human Genetics Tuebingen
Classification: Likely benign. Last evaluated: 2023-11-01. Review status: criteria provided, single submitter. Criteria: CeGaT Center For Human Genetics Tuebingen Variant Classification Criteria Version 2. Collection method: clinical testing. Allele origin: germline. Affected: yes. Observed: 2 variant alleles.
Comment: AHNAK2: BP4, BP7, BS2

NM_138420.4(AHNAK2):c.4668A>G (p.Gln1556=)

Gene: AHNAK2 (AHNAK nucleoprotein 2; minus strand). Cytogenetic location: 14q32.33.
Variant type: single nucleotide variant.
Coding change: c.4668A>G on transcript NM_138420.4 (MANE Select); coding-DNA position 4668, A replaced by G.
Protein change: p.Gln1556=; no amino-acid change (glutamine 1556 retained).
Molecular consequence: synonymous variant.
Genome position (GRCh38, 1-based): chr14:104,950,783, T>C on the plus strand (A>G on the coding strand, the complement: AHNAK2 is on the minus strand). VCF-style: chr14-104950783-T-C. GRCh37 (hg19) VCF-style: chr14-105417120-T-C.
Other names: c.4368A>G, p.Gln1456= (NM_001350929.2).
Identifiers: ClinVar variation 2644822 (VCV002644822.24), dbSNP rs376632420, ClinGen allele CA7382291.